The following is an entry in ClinVar:

NM_198576.4(AGRN):c.383A>G (p.His128Arg)

Genes: AGRN (agrin; plus strand), LOC126805576 (P300/CBP strongly-dependent group 1 enhancer GRCh37_chr1:956772-957971; plus strand). Cytogenetic location: 1p36.33.
Variant type: single nucleotide variant.
Coding change: c.383A>G on transcript NM_198576.4 (MANE Select); coding-DNA position 383, A replaced by G.
Protein change: p.His128Arg; replaces histidine 128 with arginine.
Molecular consequence: missense variant.
Genome position (GRCh38, 1-based): chr1:1,022,382, A>G. VCF-style: chr1-1022382-A-G. GRCh37 (hg19) VCF-style: chr1-957762-A-G.
Other names: c.383A>G, p.His128Arg (NM_001305275.2); short protein forms H128R.
Identifiers: ClinVar variation 1040717 (VCV001040717.7), dbSNP rs138808237, ClinGen allele CA507812.

ClinVar aggregate classification (germline): Uncertain significance (1 of 4 stars; one submission).

Conditions:
Congenital myasthenic syndrome 8. Also called: MYASTHENIC SYNDROME, CONGENITAL, DUE TO AGRIN DEFICIENCY; Myasthenic syndrome, congenital, 8, with pre- and postsynaptic defects. Identifiers: Orphanet 590, MedGen C3808739, MONDO:0014052, OMIM 615120.

Allele frequency attached by ClinVar (database versions not stated): gnomAD exomes below 0.00001 and 0.00001; ExAC 0.00001; gnomAD 0.00004; TOPMed 0.00005; ESP Exome Variant Server 0.00015.
gnomAD v4.1: 8 of 1,613,260 alleles (0.0005%); highest among the groups gnomAD compares: African/African-American, 0.008%; no homozygotes.

Submission:

Labcorp Genetics (formerly Invitae), Labcorp
Classification: Uncertain significance for Congenital myasthenic syndrome 8. Last evaluated: 2023-11-27. Review status: criteria provided, single submitter. Criteria: Invitae Variant Classification Sherloc (09022015). Collection method: clinical testing. Allele origin: germline.
Comment: This sequence change replaces histidine, which is basic and polar, with arginine, which is basic and polar, at codon 128 of the AGRN protein (p.His128Arg). This variant is present in population databases (rs138808237, gnomAD 0.008%). This variant has not been reported in the literature in individuals affected with AGRN-related conditions. ClinVar contains an entry for this variant (Variation ID: 1040717). An algorithm developed to predict the effect of missense changes on protein structure and function (PolyPhen-2) suggests that this variant is likely to be tolerated. In summary, the available evidence is currently insufficient to determine the role of this variant in disease. Therefore, it has been classified as a Variant of Uncertain Significance.